The following is an entry in ClinVar:

NM_173602.3(DIP2B):c.1520C>T (p.Ser507Leu)

Gene: DIP2B (disco interacting protein 2 homolog B; plus strand). Cytogenetic location: 12q13.12.
Variant type: single nucleotide variant.
Coding change: c.1520C>T on transcript NM_173602.3 (MANE Select); coding-DNA position 1520, C replaced by T.
Protein change: p.Ser507Leu; replaces serine 507 with leucine.
Molecular consequence: missense variant.
Genome position (GRCh38, 1-based): chr12:50,686,651, C>T. VCF-style: chr12-50686651-C-T. GRCh37 (hg19) VCF-style: chr12-51080434-C-T.
Other names: short protein forms S507L.
Identifiers: ClinVar variation 3082434 (VCV003082434.3), dbSNP rs1197391315, ClinGen allele CA384818103.
Genomic context (GRCh38, chr12:50,686,651, plus strand): 5'-GGGTTGTAACAGATTCCAAGTACCTTTCAAAGCCACCGAAAGACTGGCAGCCACACATCT[C>T]ACCTGCTGGGACAGAACCGGCATACATTGAGGTAAGTCCTAAGATGTAAAATATGCTTTC-3'
Protein context (NP_775873.2, residues 497-517): KPPKDWQPHI[Ser507Leu]PAGTEPAYIE

ClinVar aggregate classification (germline): Uncertain significance. Review status: criteria provided, multiple submitters, no conflicts (2 of 4 stars). 2 submissions from 2 submitters: Uncertain significance (2). Last evaluated 2024-03-21.

Allele frequency attached by ClinVar (database versions not stated): gnomAD exomes below 0.00001.
gnomAD v4.1: 1 of 1,614,090 alleles (0.000062%); highest among the groups gnomAD compares: African/African-American, 0.0013%; no homozygotes.

Submissions (2):

Women's Health and Genetics/Laboratory Corporation of America, LabCorp
Classification: Uncertain significance. Last evaluated: 2024-03-21. Review status: criteria provided, single submitter. Criteria: LabCorp Variant Classification Summary - May 2015. Collection method: clinical testing. Allele origin: germline.
Comment: Variant summary: DIP2B c.1520C>T (p.Ser507Leu) results in a non-conservative amino acid change located in the AMP-dependent synthetase/ligase domain (IPR000873) of the encoded protein sequence. Three of five in-silico tools predict a benign effect of the variant on protein function. The variant was absent in 251310 control chromosomes. The available data on variant occurrences in the general population are insufficient to allow any conclusion about variant significance. To our knowledge, no occurrence of c.1520C>T in individuals affected with Intellectual Disability, FRA12A Type and no experimental evidence demonstrating its impact on protein function have been reported. No submitters have cited clinical-significance assessments for this variant to ClinVar. Based on the evidence outlined above, the variant was classified as uncertain significance.

Ambry Genetics
Classification: Uncertain significance. Last evaluated: 2024-01-09. Review status: criteria provided, single submitter. Criteria: Ambry Variant Classification Scheme 2023. Collection method: clinical testing. Allele origin: germline.